The following is an entry in ClinVar:

ClinVar aggregate classification (germline): Uncertain significance (1 of 4 stars; one submission).

Conditions:
Hereditary cancer-predisposing syndrome. Also called: Hereditary neoplastic syndrome; Neoplastic Syndromes, Hereditary; Hereditary Cancer Syndrome; Tumor predisposition. Identifiers: Orphanet 140162, MedGen C0027672, MeSH D009386, MONDO:0015356.

Submission:

Labcorp Genetics (formerly Invitae), Labcorp
Classification: Uncertain significance for Hereditary cancer-predisposing syndrome. Last evaluated: 2023-06-04. Review status: criteria provided, single submitter. Criteria: Invitae Variant Classification Sherloc (09022015). Collection method: clinical testing. Allele origin: germline.
Comment: In summary, the available evidence is currently insufficient to determine the role of this variant in disease. Therefore, it has been classified as a Variant of Uncertain Significance. Advanced modeling of protein sequence and biophysical properties (such as structural, functional, and spatial information, amino acid conservation, physicochemical variation, residue mobility, and thermodynamic stability) performed at Invitae indicates that this missense variant is not expected to disrupt RAD50 protein function. This variant has not been reported in the literature in individuals affected with RAD50-related conditions. This variant is not present in population databases (gnomAD no frequency). This sequence change replaces isoleucine, which is neutral and non-polar, with phenylalanine, which is neutral and non-polar, at codon 118 of the RAD50 protein (p.Ile118Phe).

NM_005732.4(RAD50):c.352A>T (p.Ile118Phe)

Gene: RAD50 (RAD50 double strand break repair protein; plus strand). Cytogenetic location: 5q31.1.
Variant type: single nucleotide variant.
Coding change: c.352A>T on transcript NM_005732.4 (MANE Select); coding-DNA position 352, A replaced by T.
Protein change: p.Ile118Phe; replaces isoleucine 118 with phenylalanine.
Molecular consequence: missense variant.
Genome position (GRCh38, 1-based): chr5:132,575,915, A>T. VCF-style: chr5-132575915-A-T. GRCh37 (hg19) VCF-style: chr5-131911607-A-T.
Other names: short protein forms I118F.
Identifiers: ClinVar variation 2765253 (VCV002765253.3), dbSNP rs1554097578, ClinGen allele CA360931440.